The following is an entry in ClinVar:

NM_001353921.2(ARHGEF9):c.556G>A (p.Glu186Lys)

Gene: ARHGEF9 (Cdc42 guanine nucleotide exchange factor 9; minus strand). Cytogenetic location: Xq11.1.
Variant type: single nucleotide variant.
Coding change: c.556G>A on transcript NM_001353921.2 (MANE Select); coding-DNA position 556, G replaced by A.
Protein change: p.Glu186Lys; replaces glutamic acid 186 with lysine.
Molecular consequence: missense variant.
Genome position (GRCh38, 1-based): chrX:63,697,151, C>T on the plus strand (G>A on the coding strand, the complement: ARHGEF9 is on the minus strand). VCF-style: chrX-63697151-C-T. GRCh37 (hg19) VCF-style: chrX-62917031-C-T.
Other names: c.376G>A, p.Glu126Lys (NM_001173479.2); c.229G>A, p.Glu77Lys (NM_001173480.2, NM_001369042.1); c.472G>A, p.Glu158Lys (NM_001330495.2, NM_001353927.2, NM_001369033.1 and 8 more transcripts); c.556G>A, p.Glu186Lys (NM_001353922.2); c.574G>A, p.Glu192Lys (NM_001353923.1); c.355G>A, p.Glu119Lys (NM_001353924.2, NM_001353926.2, NM_001369039.1 and 1 more transcripts); c.535G>A, p.Glu179Lys (NM_001353928.2, NM_001369030.1, NM_001369031.1 and 2 more transcripts); c.121G>A, p.Glu41Lys (NM_001369045.1); short protein forms E192K, E126K, E158K, E179K, E186K, E41K, E119K, E77K.
Identifiers: ClinVar variation 648941 (VCV000648941.27), dbSNP rs1602446549, ClinGen allele CA413406872.

ClinVar aggregate classification (germline): Pathogenic/Likely pathogenic. Review status: criteria provided, multiple submitters, no conflicts (2 of 4 stars). 3 submissions from 3 submitters: Pathogenic (2); Likely pathogenic (1). Last evaluated 2025-01-01.

Conditions:
ARHGEF9-related neurodevelopmental disorder.
Inborn genetic diseases. Identifiers: MedGen C0950123, MeSH D030342.
Developmental and epileptic encephalopathy, 8 (DEE8). Also called: HYPEREKPLEXIA AND EPILEPSY. Identifiers: Orphanet 163985, Orphanet 2076, MedGen C1845102, MONDO:0010375, OMIM 300607.

Submissions (3):

CeGaT Center for Human Genetics Tuebingen
Classification: Likely pathogenic. Last evaluated: 2025-01-01. Review status: criteria provided, single submitter. Criteria: CeGaT Center For Human Genetics Tuebingen Variant Classification Criteria Version 2. Collection method: clinical testing. Allele origin: germline. Affected: yes. Observed: 1 variant allele.
Comment: ARHGEF9: PM2, PS2:Moderate, PS4:Moderate

Ambry Genetics
Classification: Pathogenic for Inborn genetic diseases. Last evaluated: 2024-02-14. Review status: criteria provided, single submitter. Criteria: Ambry Variant Classification Scheme 2023. Collection method: clinical testing. Allele origin: germline.
Comment: The p.E179K pathogenic mutation (also known as c.535G>A), located in coding exon 4 of the ARHGEF9 gene, results from a G to A substitution at nucleotide position 535. The glutamic acid at codon 179 is replaced by lysine, an amino acid with similar properties. This variant has been reported as a hemizygous finding in a patient with epilepsy (Truty R et al. Epilepsia Open, 2019 Sep;4:397-408). The p.E179K variant has also been reported as a de novo finding in multiple individuals with features consistent with ARHGEF9-related developmental and epileptic encephalopathy (Scala M et al. Neurogenetics, 2021 Mar;22:87-94; external communications). This amino acid position is highly conserved in available vertebrate species. In addition, this alteration is predicted to be deleterious by in silico analysis. Based on the supporting evidence, this alteration is interpreted as a disease-causing mutation.

Labcorp Genetics (formerly Invitae), Labcorp
Classification: Pathogenic for Developmental and epileptic encephalopathy, 8. Last evaluated: 2022-08-25. Review status: criteria provided, single submitter. Criteria: Invitae Variant Classification Sherloc (09022015). Collection method: clinical testing. Allele origin: germline.
Comment: For these reasons, this variant has been classified as Pathogenic. Algorithms developed to predict the effect of missense changes on protein structure and function are either unavailable or do not agree on the potential impact of this missense change (SIFT: "Deleterious"; PolyPhen-2: "Benign"; Align-GVGD: "Class C55"). ClinVar contains an entry for this variant (Variation ID: 648941). This missense change has been observed in individual(s) with clinical features of ARHGEF9-related condition (Invitae). In at least one individual the variant was observed to be de novo. This variant is not present in population databases (gnomAD no frequency). This sequence change replaces glutamic acid, which is acidic and polar, with lysine, which is basic and polar, at codon 179 of the ARHGEF9 protein (p.Glu179Lys).

Literature cited by the submitters: PubMed 31440721 (cited by Ambry Genetics); PubMed 32939676 (cited by Ambry Genetics).